The following is an entry in ClinVar:

NM_030665.4(RAI1):c.4018A>G (p.Ser1340Gly)

Gene: RAI1 (retinoic acid induced 1; plus strand). Cytogenetic location: 17p11.2.
Variant type: single nucleotide variant.
Coding change: c.4018A>G on transcript NM_030665.4 (MANE Select); coding-DNA position 4018, A replaced by G.
Protein change: p.Ser1340Gly; replaces serine 1340 with glycine.
Molecular consequence: missense variant.
Genome position (GRCh38, 1-based): chr17:17,796,966, A>G. VCF-style: chr17-17796966-A-G. GRCh37 (hg19) VCF-style: chr17-17700280-A-G.
Other names: short protein forms S1340G.
Identifiers: ClinVar variation 2959935 (VCV002959935.3), dbSNP rs1465064870, ClinGen allele CA398555547.

ClinVar aggregate classification (germline): Uncertain significance (1 of 4 stars; one submission).

Allele frequency attached by ClinVar (database versions not stated): gnomAD exomes below 0.00001.
gnomAD v4.1: 5 of 1,613,806 alleles (0.00031%); highest among the groups gnomAD compares: Non-Finnish European, 0.00034%; no homozygotes.

Submission:

Labcorp Genetics (formerly Invitae), Labcorp
Classification: Uncertain significance. Last evaluated: 2024-10-22. Review status: criteria provided, single submitter. Criteria: Invitae Variant Classification Sherloc (09022015). Collection method: clinical testing. Allele origin: germline.
Comment: This sequence change replaces serine, which is neutral and polar, with glycine, which is neutral and non-polar, at codon 1340 of the RAI1 protein (p.Ser1340Gly). This variant is present in population databases (no rsID available, gnomAD 0.004%). This variant has not been reported in the literature in individuals affected with RAI1-related conditions. Invitae Evidence Modeling of protein sequence and biophysical properties (such as structural, functional, and spatial information, amino acid conservation, physicochemical variation, residue mobility, and thermodynamic stability) indicates that this missense variant is not expected to disrupt RAI1 protein function with a negative predictive value of 80%. In summary, the available evidence is currently insufficient to determine the role of this variant in disease. Therefore, it has been classified as a Variant of Uncertain Significance.